The following is an entry in ClinVar:

NM_012179.4(FBXO7):c.169A>G (p.Thr57Ala)

Gene: FBXO7 (F-box protein 7; plus strand). Cytogenetic location: 22q12.3.
Variant type: single nucleotide variant.
Coding change: c.169A>G on transcript NM_012179.4 (MANE Select); coding-DNA position 169, A replaced by G.
Protein change: p.Thr57Ala; replaces threonine 57 with alanine.
Molecular consequence: missense variant. On other transcripts: 5 prime UTR variant (1), intron variant (1).
Genome position (GRCh38, 1-based): chr22:32,479,027, A>G. VCF-style: chr22-32479027-A-G. GRCh37 (hg19) VCF-style: chr22-32875014-A-G.
Other names: c.-174A>G (NM_001257990.2); c.38-106A>G (NM_001033024.2); short protein forms T57A.
Identifiers: ClinVar variation 640301 (VCV000640301.6), dbSNP rs760306475, ClinGen allele CA10201368.

ClinVar aggregate classification (germline): Uncertain significance. Review status: criteria provided, multiple submitters, no conflicts (2 of 4 stars). 3 submissions from 3 submitters: Uncertain significance (3). Last evaluated 2026-02-15.

Conditions:
Inborn genetic diseases. Identifiers: MedGen C0950123, MeSH D030342.
Parkinsonian-pyramidal syndrome. Also called: PALLIDOPYRAMIDAL SYNDROME; PARKINSON DISEASE 15, AUTOSOMAL RECESSIVE EARLY-ONSET; PARKINSON DISEASE 15, AUTOSOMAL RECESSIVE. Identifiers: Orphanet 171695, MedGen C1850100, MONDO:0009830, OMIM 260300.

Allele frequency attached by ClinVar (database versions not stated): gnomAD exomes 0.00015 and 0.00004; TOPMed 0.00006; ExAC 0.00007; gnomAD 0.00009 and 0.00010.
gnomAD v4.1: 234 of 1,614,090 alleles (0.014%); highest among the groups gnomAD compares: Non-Finnish European, 0.018%; no homozygotes.

Submissions (3):

GeneDx
Classification: Uncertain significance. Last evaluated: 2026-02-15. Review status: criteria provided, single submitter. Criteria: GeneDx Variant Classification Process June 2021. Collection method: clinical testing. Allele origin: germline.
Comment: Not observed at significant frequency in large population cohorts (gnomAD); In silico analysis suggests that this missense variant does not alter protein structure/function; Has not been previously published as pathogenic or benign to our knowledge

Ambry Genetics
Classification: Uncertain significance for Inborn genetic diseases. Last evaluated: 2025-10-29. Review status: criteria provided, single submitter. Criteria: Ambry Variant Classification Scheme 2023. Collection method: clinical testing. Allele origin: germline.

Labcorp Genetics (formerly Invitae), Labcorp
Classification: Uncertain significance for Parkinsonian-pyramidal syndrome. Last evaluated: 2021-10-27. Review status: criteria provided, single submitter. Criteria: Invitae Variant Classification Sherloc (09022015). Collection method: clinical testing. Allele origin: germline.
Comment: This sequence change replaces threonine, a(n) neutral and polar amino acid, with alanine, a(n) neutral and non-polar amino acid, at codon 57 of the FBXO7 protein (p.Thr57Ala). This variant is present in population databases (rs760306475, gnomAD 0.009%). This variant has not been reported in the literature in individuals affected with FBXO7-related conditions. ClinVar contains an entry for this variant (Variation ID: 640301). Algorithms developed to predict the effect of missense changes on protein structure and function are either unavailable or do not agree on the potential impact of this missense change (SIFT: "Tolerated"; PolyPhen-2: "Possibly Damaging"; Align-GVGD: "Class C0"). In summary, the available evidence is currently insufficient to determine the role of this variant in disease. Therefore, it has been classified as a Variant of Uncertain Significance.